The following is an entry in ClinVar:

ClinVar aggregate classification (germline): Benign (1 of 4 stars; one submission).

Allele frequency attached by ClinVar (database versions not stated): gnomAD exomes 0.09468; 1000 Genomes Project 0.10304; gnomAD 0.10344 and 0.10410; 1000 Genomes Project 30x 0.10587; TOPMed 0.11076.
gnomAD v4.1: 119,513 of 1,246,716 alleles (9.6%); highest among the groups gnomAD compares: Admixed American, 16%; 6,102 homozygotes.

Submission:

GeneDx
Classification: Benign. Last evaluated: 2018-06-14. Review status: criteria provided, single submitter. Criteria: GeneDx Variant Classification (06012015). Collection method: clinical testing. Allele origin: germline. Affected: yes.
Comment: This variant is considered likely benign or benign based on one or more of the following criteria: it is a conservative change, it occurs at a poorly conserved position in the protein, it is predicted to be benign by multiple in silico algorithms, and/or has population frequency not consistent with disease.

NM_002291.3(LAMB1):c.1189+123G>C

Gene: LAMB1 (laminin subunit beta 1; minus strand). Cytogenetic location: 7q31.1.
Variant type: single nucleotide variant.
Coding change: c.1189+123G>C on transcript NM_002291.3 (MANE Select); 123 bases into the intron after coding-DNA position 1189, G replaced by C.
Molecular consequence: intron variant.
Genome position (GRCh38, 1-based): chr7:107,975,566, C>G on the plus strand (G>C on the coding strand, the complement: LAMB1 is on the minus strand). VCF-style: chr7-107975566-C-G. GRCh37 (hg19) VCF-style: chr7-107616011-C-G.
Identifiers: ClinVar variation 682974 (VCV000682974.1), dbSNP rs11770285, ClinGen allele CA12702957.